The following is an entry in ClinVar:

NM_002691.4(POLD1):c.3121-8G>A

Gene: POLD1 (DNA polymerase delta 1, catalytic subunit; plus strand). Cytogenetic location: 19q13.33.
Variant type: single nucleotide variant.
Coding change: c.3121-8G>A on transcript NM_002691.4 (MANE Select); 8 bases into the intron before coding-DNA position 3121, G replaced by A.
Molecular consequence: intron variant.
Genome position (GRCh38, 1-based): chr19:50,417,164, G>A. VCF-style: chr19-50417164-G-A. GRCh37 (hg19) VCF-style: chr19-50920421-G-A.
Other names: c.3199-8G>A (LRG_785t2, NM_001308632.1); c.3121-8G>A (LRG_785t1, NM_001256849.1).
Identifiers: ClinVar variation 469325 (VCV000469325.12), dbSNP rs762920108, ClinGen allele CA9596769.
Genomic context (GRCh38, chr19:50,417,164, plus strand): 5'-GGGCCGGGAGGTGAGGAGGGGCCAGGTGGGGAGGCGGGGGCGCCCTGCTCAGCCGCTGCC[G>A]TCCCCAGGTATCCCATCTGAATGCCCTGGAGGAGCGCTTCTCGCGCCTCTGGACGCAGTG-3'

ClinVar aggregate classification (germline): Likely benign. Review status: criteria provided, multiple submitters, no conflicts (2 of 4 stars). 5 submissions from 5 submitters: Likely benign (5). Last evaluated 2025-12-31.

Conditions:
POLD1-related polyposis and colorectal cancer syndrome (CRCS10). Also called: Colorectal cancer 10; COLORECTAL CANCER, SUSCEPTIBILITY TO, ON CHROMOSOME 19q; Colorectal cancer, susceptibility to, 10. Identifiers: Orphanet 220460, MedGen C2675481, MONDO:0012953, OMIM 612591.
POLD1-related disorder. Also called: POLD1-related condition; POLD1-related disorders.

Allele frequency attached by ClinVar (database versions not stated): gnomAD 0.00001; TOPMed 0.00003; ExAC 0.00005.
gnomAD v4.1: 41 of 1,595,962 alleles (0.0026%); highest among the groups gnomAD compares: East Asian, 0.0068%; no homozygotes.

Submissions (5):

PreventionGenetics, part of Exact Sciences
Classification: Likely benign for POLD1-related condition. Last evaluated: 2025-12-31. Review status: criteria provided, single submitter. Criteria: ACMG Guidelines, 2015. Collection method: clinical testing. Allele origin: germline.
Comment: This variant is classified as likely benign based on ACMG/AMP sequence variant interpretation guidelines (Richards et al. 2015 PMID: 25741868, with internal and published modifications).

Labcorp Genetics (formerly Invitae), Labcorp
Classification: Likely benign for POLD1-related polyposis and colorectal cancer syndrome. Last evaluated: 2025-12-11. Review status: criteria provided, single submitter. Criteria: Invitae Variant Classification Sherloc (09022015). Collection method: clinical testing. Allele origin: germline.

Center for Genomic Medicine, Rigshospitalet, Copenhagen University Hospital
Classification: Likely benign. Last evaluated: 2025-03-04. Review status: criteria provided, single submitter. Criteria: ACMG Guidelines, 2015. Collection method: clinical testing. Allele origin: germline.

Laboratory of Genetics, Children's Clinical University Hospital Latvia
Classification: Likely benign. Last evaluated: 2025-02-16. Review status: criteria provided, single submitter. Criteria: ACMG Guidelines, 2015. Collection method: clinical testing. Allele origin: germline. Affected: yes.

GeneDx
Classification: Likely benign. Last evaluated: 2018-12-26. Review status: criteria provided, single submitter. Criteria: GeneDx Variant Classification Process June 2021. Collection method: clinical testing. Allele origin: germline. Affected: yes.